The following is an entry in ClinVar:

NM_004977.3(KCNC3):c.1196C>T (p.Ser399Leu)

Gene: KCNC3 (potassium voltage-gated channel subfamily C member 3; minus strand). Cytogenetic location: 19q13.33.
Variant type: single nucleotide variant.
Coding change: c.1196C>T on transcript NM_004977.3 (MANE Select); coding-DNA position 1196, C replaced by T.
Protein change: p.Ser399Leu; replaces serine 399 with leucine.
Molecular consequence: missense variant.
Genome position (GRCh38, 1-based): chr19:50,323,757, G>A on the plus strand (C>T on the coding strand, the complement: KCNC3 is on the minus strand). VCF-style: chr19-50323757-G-A. GRCh37 (hg19) VCF-style: chr19-50827014-G-A.
Other names: c.968C>T, p.Ser323Leu (NM_001372305.1); short protein forms S399L, S323L.
Identifiers: ClinVar variation 447618 (VCV000447618.10), dbSNP rs1437049667, ClinGen allele CA406952277.

ClinVar aggregate classification (germline): Uncertain significance. Review status: criteria provided, multiple submitters, no conflicts (2 of 4 stars). 3 submissions from 3 submitters: Uncertain significance (3). Last evaluated 2025-02-03.

Allele frequency attached by ClinVar (database versions not stated): TOPMed below 0.00001.
gnomAD v4.1: 6 of 1,614,208 alleles (0.00037%); highest among the groups gnomAD compares: East Asian, 0.0022%; no homozygotes.

Submissions (3):

GeneDx
Classification: Uncertain significance. Last evaluated: 2025-02-03. Review status: criteria provided, single submitter. Criteria: GeneDx Variant Classification Process June 2021. Collection method: clinical testing. Allele origin: germline. Affected: yes.
Comment: In silico analysis supports that this missense variant has a deleterious effect on protein structure/function; Not observed in large population cohorts (gnomAD); This variant is associated with the following publications: (PMID: 35982159, 33057194)

Athena Diagnostics
Classification: Uncertain significance. Last evaluated: 2017-05-01. Review status: criteria provided, single submitter. Criteria: Athena Diagnostics Criteria. Collection method: clinical testing. Allele origin: germline.

Eurofins Ntd Llc (ga)
Classification: Uncertain significance. Last evaluated: 2017-02-06. Review status: criteria provided, single submitter. Criteria: EGL Classification Definitions 2015. Collection method: clinical testing. Allele origin: germline. Observed: 1 variant allele, 1 heterozygote.